The following is an entry in ClinVar:

ClinVar aggregate classification (germline): Conflicting classifications of pathogenicity. Review status: criteria provided, conflicting classifications (1 of 4 stars). 3 submissions from 3 submitters: Likely pathogenic (2); Uncertain significance (1). Last evaluated 2024-07-03.

Conditions:
Hereditary spastic paraplegia 12 (SPG12). Also called: SPASTIC PARAPLEGIA 12, AUTOSOMAL DOMINANT. Identifiers: Orphanet 100993, MedGen C1858106, MONDO:0011489, OMIM 604805.

Submissions (3):

Undiagnosed Diseases Network, NIH
Classification: Likely pathogenic for Hereditary spastic paraplegia 12. Last evaluated: 2024-07-03. Review status: criteria provided, single submitter. Criteria: ACMG Guidelines, 2015. Collection method: clinical testing. Allele origin: paternal. Affected: yes. Observed: 1 heterozygote. Study: Undiagnosed Diseases Network (NIH), UDN.

GeneDx
Classification: Uncertain significance. Last evaluated: 2023-06-06. Review status: criteria provided, single submitter. Criteria: GeneDx Variant Classification Process June 2021. Collection method: clinical testing. Allele origin: germline. Affected: yes.
Comment: Has not been previously published as pathogenic or benign to our knowledge; Nonsense variant predicted to result in protein truncation or nonsense mediated decay in a gene or region of a gene for which loss of function is not a well-established mechanism of disease; Not observed at significant frequency in large population cohorts (gnomAD)

Baylor Genetics
Classification: Likely pathogenic for Hereditary spastic paraplegia 12. Last evaluated: 2022-07-05. Review status: criteria provided, single submitter. Criteria: ACMG Guidelines, 2015. Collection method: clinical testing. Allele origin: unknown.

NM_005619.5(RTN2):c.198C>A (p.Tyr66Ter)

Genes: OPA3-RTN2 (OPA3-RTN2 readthrough; minus strand), RTN2 (reticulon 2; minus strand). Cytogenetic location: 19q13.32.
Variant type: single nucleotide variant.
Coding change: c.198C>A on transcript NM_005619.5 (MANE Select); coding-DNA position 198, C replaced by A.
Protein change: p.Tyr66Ter; replaces tyrosine 66 with a stop codon.
Molecular consequence: nonsense.
Genome position (GRCh38, 1-based): chr19:45,494,887, G>T on the plus strand (C>A on the coding strand, the complement: RTN2 is on the minus strand). VCF-style: chr19-45494887-G-T. GRCh37 (hg19) VCF-style: chr19-45998145-G-T.
Other names: p.Y66*; c.198C>A (NM_005619.4); c.198C>A, p.Tyr66Ter (NM_206900.3); short protein forms Y66*.
Identifiers: ClinVar variation 2442171 (VCV002442171.4), dbSNP rs2513743882, ClinGen allele CA406362609.